The following is an entry in ClinVar:

NM_020738.4(KIDINS220):c.463C>G (p.Leu155Val)

Gene: KIDINS220 (kinase D interacting substrate 220; minus strand). Cytogenetic location: 2p25.1.
Variant type: single nucleotide variant.
Coding change: c.463C>G on transcript NM_020738.4 (MANE Select); coding-DNA position 463, C replaced by G.
Protein change: p.Leu155Val; replaces leucine 155 with valine.
Molecular consequence: missense variant. On other transcripts: non-coding transcript variant (2).
Genome position (GRCh38, 1-based): chr2:8,812,436, G>C on the plus strand (C>G on the coding strand, the complement: KIDINS220 is on the minus strand). VCF-style: chr2-8812436-G-C. GRCh37 (hg19) VCF-style: chr2-8952566-G-C.
Other names: c.466C>G, p.Leu156Val (NM_001348731.2, NM_001348734.2, NM_001348739.2 and 3 more transcripts); c.463C>G, p.Leu155Val (NM_001348732.2, NM_001348735.2, NM_001348738.2 and 3 more transcripts); c.337C>G, p.Leu113Val (NM_001348736.2); short protein forms L155V, L113V, L156V.
Identifiers: ClinVar variation 2813780 (VCV002813780.3), dbSNP rs2528244886, ClinGen allele CA345774177.

ClinVar aggregate classification (germline): Uncertain significance (1 of 4 stars; one submission).

Allele frequency attached by ClinVar (database versions not stated): gnomAD exomes below 0.00001.
gnomAD v4.1: 1 of 1,599,008 alleles (0.000063%); highest among the groups gnomAD compares: African/African-American, 0.0013%; no homozygotes.

Submission:

Labcorp Genetics (formerly Invitae), Labcorp
Classification: Uncertain significance. Last evaluated: 2024-10-29. Review status: criteria provided, single submitter. Criteria: Invitae Variant Classification Sherloc (09022015). Collection method: clinical testing. Allele origin: germline.
Comment: This sequence change replaces leucine, which is neutral and non-polar, with valine, which is neutral and non-polar, at codon 155 of the KIDINS220 protein (p.Leu155Val). This variant is not present in population databases (gnomAD no frequency). This variant has not been reported in the literature in individuals affected with KIDINS220-related conditions. An algorithm developed to predict the effect of missense changes on protein structure and function (PolyPhen-2) suggests that this variant is likely to be disruptive. In summary, the available evidence is currently insufficient to determine the role of this variant in disease. Therefore, it has been classified as a Variant of Uncertain Significance.